The following is an entry in ClinVar:

NM_001127198.5(TMC6):c.1453G>C (p.Gly485Arg)

Gene: TMC6 (transmembrane channel like 6; minus strand). Cytogenetic location: 17q25.3.
Variant type: single nucleotide variant.
Coding change: c.1453G>C on transcript NM_001127198.5 (MANE Select); coding-DNA position 1453, G replaced by C.
Protein change: p.Gly485Arg; replaces glycine 485 with arginine.
Molecular consequence: missense variant. On other transcripts: non-coding transcript variant (4).
Genome position (GRCh38, 1-based): chr17:78,121,095, C>G on the plus strand (G>C on the coding strand, the complement: TMC6 is on the minus strand). VCF-style: chr17-78121095-C-G. GRCh37 (hg19) VCF-style: chr17-76117176-C-G.
Other names: c.1453G>C, p.Gly485Arg (NM_001321185.1, NM_001374593.1, NM_001374594.1 and 4 more transcripts); short protein forms G485R.
Identifiers: ClinVar variation 1939232 (VCV001939232.5), dbSNP rs2510488522, ClinGen allele CA401228412.

ClinVar aggregate classification (germline): Uncertain significance (1 of 4 stars; one submission).

Conditions:
Epidermodysplasia verruciformis. Identifiers: Orphanet 302, MedGen C0014522, MONDO:0009176.

Submission:

Labcorp Genetics (formerly Invitae), Labcorp
Classification: Uncertain significance for Epidermodysplasia verruciformis. Last evaluated: 2023-07-07. Review status: criteria provided, single submitter. Criteria: Invitae Variant Classification Sherloc (09022015). Collection method: clinical testing. Allele origin: germline.
Comment: ClinVar contains an entry for this variant (Variation ID: 1939232). This sequence change replaces glycine, which is neutral and non-polar, with arginine, which is basic and polar, at codon 485 of the TMC6 protein (p.Gly485Arg). This variant is not present in population databases (gnomAD no frequency). This variant has not been reported in the literature in individuals affected with TMC6-related conditions. An algorithm developed to predict the effect of missense changes on protein structure and function (PolyPhen-2) suggests that this variant is likely to be disruptive. In summary, the available evidence is currently insufficient to determine the role of this variant in disease. Therefore, it has been classified as a Variant of Uncertain Significance.